The following is an entry in ClinVar:

ClinVar aggregate classification (germline): Uncertain significance. Review status: criteria provided, multiple submitters, no conflicts (2 of 4 stars). 7 submissions from 7 submitters: Uncertain significance (7). Last evaluated 2026-01-18.

Conditions:
Breast-ovarian cancer, familial, susceptibility to, 4. Identifiers: Orphanet 145, MedGen C3280345, MONDO:0013669, OMIM 614291.
Hereditary cancer-predisposing syndrome. Also called: Hereditary neoplastic syndrome; Neoplastic Syndromes, Hereditary; Hereditary Cancer Syndrome; Tumor predisposition. Identifiers: Orphanet 140162, MedGen C0027672, MeSH D009386, MONDO:0015356.

gnomAD v4.1: 3 of 1,543,994 alleles (0.00019%); highest among the groups gnomAD compares: Non-Finnish European, 0.00027%; no homozygotes.

Submissions (7):

Labcorp Genetics (formerly Invitae), Labcorp
Classification: Uncertain significance for Breast-ovarian cancer, familial, susceptibility to, 4. Last evaluated: 2026-01-18. Review status: criteria provided, single submitter. Criteria: Invitae Variant Classification Sherloc (09022015). Collection method: clinical testing. Allele origin: germline.
Comment: This sequence change replaces aspartic acid, which is acidic and polar, with glutamic acid, which is acidic and polar, at codon 90 of the RAD51D protein (p.Asp90Glu). This variant is not present in population databases (gnomAD no frequency). This missense change has been observed in individual(s) with RAD51D-related conditions (PMID: 31159747). ClinVar contains an entry for this variant (Variation ID: 584559). Invitae Evidence Modeling of protein sequence and biophysical properties (such as structural, functional, and spatial information, amino acid conservation, physicochemical variation, residue mobility, and thermodynamic stability) indicates that this missense variant is expected to disrupt RAD51D protein function with a positive predictive value of 80%. In summary, the available evidence is currently insufficient to determine the role of this variant in disease. Therefore, it has been classified as a Variant of Uncertain Significance.

Color Diagnostics, LLC DBA Color Health
Classification: Uncertain significance for Hereditary cancer-predisposing syndrome. Last evaluated: 2025-08-05. Review status: criteria provided, single submitter. Criteria: ACMG Guidelines, 2015. Collection method: clinical testing. Allele origin: germline.
Comment: This missense variant replaces aspartic acid with glutamic acid at codon 90 of the RAD51D protein. Computational prediction suggests that this variant may have deleterious impact on protein structure and function. To our knowledge, functional studies have not been reported for this variant. This variant has been reported in an individual affected with breast cancer who also carried a pathogenic co-variant in the ATM gene (PMID: 35127508). Another study detected this variant 3 times in a cohort of individuals referred for genetic testing (PMID: 31159747). This variant has not been identified in the general population by the Genome Aggregation Database (gnomAD). The available evidence is insufficient to determine the role of this variant in disease conclusively. Therefore, this variant is classified as a Variant of Uncertain Significance.

Ambry Genetics
Classification: Uncertain significance for Hereditary cancer-predisposing syndrome. Last evaluated: 2024-12-16. Review status: criteria provided, single submitter. Criteria: Ambry Variant Classification Scheme 2023. Collection method: clinical testing. Allele origin: germline.
Comment: The p.D90E variant (also known as c.270T>A), located in coding exon 4 of the RAD51D gene, results from a T to A substitution at nucleotide position 270. The aspartic acid at codon 90 is replaced by glutamic acid, an amino acid with highly similar properties. This amino acid position is highly conserved in available vertebrate species. In addition, this alteration is predicted to be deleterious by in silico analysis. Based on the available evidence, the clinical significance of this variant remains unclear.

Blueprint Genetics
Classification: Uncertain significance. Last evaluated: 2024-08-12. Review status: criteria provided, single submitter. Criteria: ACMG Guidelines, 2015. Collection method: clinical testing. Allele origin: germline.

Fulgent Genetics
Classification: Uncertain significance for Breast-ovarian cancer, familial, susceptibility to, 4. Last evaluated: 2024-03-01. Review status: criteria provided, single submitter. Criteria: ACMG Guidelines, 2015. Collection method: clinical testing. Allele origin: germline.

MGZ Medical Genetics Center
Classification: Uncertain significance for Breast-ovarian cancer, familial, susceptibility to, 4. Last evaluated: 2021-09-14. Review status: criteria provided, single submitter. Criteria: ACMG Guidelines, 2015. Collection method: clinical testing. Allele origin: germline. Affected: yes. Observed: 1 variant allele.
Comment: ACMG criteria applied: PM2_SUP, PP3

GeneKor MSA
Classification: Uncertain significance for Hereditary cancer-predisposing syndrome. Last evaluated: 2018-08-01. Review status: criteria provided, single submitter. Criteria: ACMG Guidelines, 2015. Collection method: clinical testing. Allele origin: germline. Affected: no.

Literature cited by the submitters: PubMed 31159747 (cited by Labcorp Genetics (formerly Invitae), Labcorp and Color Diagnostics, LLC DBA Color Health); PubMed 35127508 (cited by Color Diagnostics, LLC DBA Color Health).

NM_002878.4(RAD51D):c.270T>A (p.Asp90Glu)

Genes: RAD51D (RAD51 paralog D; minus strand), RAD51L3-RFFL (RAD51L3-RFFL readthrough; minus strand). Cytogenetic location: 17q12.
Variant type: single nucleotide variant.
Coding change: c.270T>A on transcript NM_002878.4 (MANE Select); coding-DNA position 270, T replaced by A.
Protein change: p.Asp90Glu; replaces aspartic acid 90 with glutamic acid.
Molecular consequence: missense variant. On other transcripts: non-coding transcript variant (2), intron variant (1).
Genome position (GRCh38, 1-based): chr17:35,107,441, A>T on the plus strand (T>A on the coding strand, the complement: RAD51D is on the minus strand). VCF-style: chr17-35107441-A-T. GRCh37 (hg19) VCF-style: chr17-33434460-A-T.
Other names: c.330T>A, p.Asp110Glu (NM_001142571.2); c.145-960T>A (NM_133629.3); short protein forms D90E, D110E.
Identifiers: ClinVar variation 584559 (VCV000584559.22), dbSNP rs1567728766, ClinGen allele CA399090024.
Genomic context (GRCh38, chr17:35,107,441, plus strand): 5'-ACCTGGGCCTCCTACAATTTCAGTCACTTCTCCAGTATAGAGACCAGCATCAAGCAGTTT[A>T]TCAAGACTGATGGCAGAAGAGAAGAAAATCAACACAAGAGGTTAGGAGGAAGACAGGGGA-3'
Protein context (NP_002869.3, residues 80-100): AILSTGIGSL[Asp90Glu]KLLDAGLYTG